The following is an entry in ClinVar:

ClinVar aggregate classification (germline): Uncertain significance (1 of 4 stars; one submission).

Conditions:
Legius syndrome. Identifiers: Orphanet 137605, MedGen C1969623, MONDO:0012669, OMIM 611431. Disease mechanism: loss of function.

Submission:

Labcorp Genetics (formerly Invitae), Labcorp
Classification: Uncertain significance for Legius syndrome. Last evaluated: 2022-12-04. Review status: criteria provided, single submitter. Criteria: Invitae Variant Classification Sherloc (09022015). Collection method: clinical testing. Allele origin: germline.
Comment: In summary, the available evidence is currently insufficient to determine the role of this variant in disease. Therefore, it has been classified as a Variant of Uncertain Significance. Advanced modeling of protein sequence and biophysical properties (such as structural, functional, and spatial information, amino acid conservation, physicochemical variation, residue mobility, and thermodynamic stability) performed at Invitae indicates that this missense variant is expected to disrupt SPRED1 protein function. This variant has not been reported in the literature in individuals affected with SPRED1-related conditions. This variant is not present in population databases (gnomAD no frequency). This sequence change replaces tyrosine, which is neutral and polar, with cysteine, which is neutral and slightly polar, at codon 261 of the SPRED1 protein (p.Tyr261Cys).

NM_152594.3(SPRED1):c.782A>G (p.Tyr261Cys)

Gene: SPRED1 (sprouty related EVH1 domain containing 1; plus strand). Cytogenetic location: 15q14.
Variant type: single nucleotide variant.
Coding change: c.782A>G on transcript NM_152594.3 (MANE Select); coding-DNA position 782, A replaced by G.
Protein change: p.Tyr261Cys; replaces tyrosine 261 with cysteine.
Molecular consequence: missense variant.
Genome position (GRCh38, 1-based): chr15:38,351,111, A>G. VCF-style: chr15-38351111-A-G. GRCh37 (hg19) VCF-style: chr15-38643312-A-G.
Other names: short protein forms Y261C.
Identifiers: ClinVar variation 2818580 (VCV002818580.3), dbSNP rs2542742581, ClinGen allele CA391933229.